The following is an entry in ClinVar:

NM_001367624.2(ZNF469):c.6895G>A (p.Ala2299Thr)

Gene: ZNF469 (zinc finger protein 469; plus strand). Cytogenetic location: 16q24.2.
Variant type: single nucleotide variant.
Coding change: c.6895G>A on transcript NM_001367624.2 (MANE Select); coding-DNA position 6895, G replaced by A.
Protein change: p.Ala2299Thr; replaces alanine 2299 with threonine.
Molecular consequence: missense variant.
Genome position (GRCh38, 1-based): chr16:88,434,365, G>A. VCF-style: chr16-88434365-G-A. GRCh37 (hg19) VCF-style: chr16-88500773-G-A.
Other names: NM_001127464.1:c.6811G>A; short protein forms A2299T.
Identifiers: ClinVar variation 4057172 (VCV004057172.1).

ClinVar aggregate classification (germline): Uncertain significance (1 of 4 stars; one submission).

gnomAD v4.1: 3 of 1,550,062 alleles (0.00019%); highest among the groups gnomAD compares: Non-Finnish European, 0.00026%; no homozygotes.

Submission:

GeneDx
Classification: Uncertain significance. Last evaluated: 2025-01-14. Review status: criteria provided, single submitter. Criteria: GeneDx Variant Classification Process June 2021. Collection method: clinical testing. Allele origin: germline. Affected: yes.
Comment: Not observed at significant frequency in large population cohorts (gnomAD); In silico analysis indicates that this missense variant does not alter protein structure/function; Has not been previously published as pathogenic or benign to our knowledge